The following is an entry in ClinVar:

NM_000466.3(PEX1):c.301G>A (p.Val101Ile)

Gene: PEX1 (peroxisomal biogenesis factor 1; minus strand). Cytogenetic location: 7q21.2.
Variant type: single nucleotide variant.
Coding change: c.301G>A on transcript NM_000466.3 (MANE Select); coding-DNA position 301, G replaced by A.
Protein change: p.Val101Ile; replaces valine 101 with isoleucine.
Molecular consequence: missense variant. On other transcripts: 5 prime UTR variant (1).
Genome position (GRCh38, 1-based): chr7:92,519,051, C>T on the plus strand (G>A on the coding strand, the complement: PEX1 is on the minus strand). VCF-style: chr7-92519051-C-T. GRCh37 (hg19) VCF-style: chr7-92148365-C-T.
Other names: c.301G>A, p.Val101Ile (NM_001282677.2); c.-359G>A (NM_001282678.2); short protein forms V101I.
Identifiers: ClinVar variation 1379575 (VCV001379575.6), dbSNP rs2116253380, ClinGen allele CA368203200.

ClinVar aggregate classification (germline): Uncertain significance (1 of 4 stars; one submission).

Conditions:
Zellweger spectrum disorders (ZS). Also called: Zellweger syndrome; Zellweger Spectrum Disorder; Zellweger Spectrum; Zellweger Spectrum Disorder (ZSD). Identifiers: Orphanet 912, MedGen C0043459, MONDO:0019609.

Submission:

Labcorp Genetics (formerly Invitae), Labcorp
Classification: Uncertain significance for Zellweger spectrum disorders. Last evaluated: 2023-10-13. Review status: criteria provided, single submitter. Criteria: Invitae Variant Classification Sherloc (09022015). Collection method: clinical testing. Allele origin: germline.
Comment: This sequence change replaces valine, which is neutral and non-polar, with isoleucine, which is neutral and non-polar, at codon 101 of the PEX1 protein (p.Val101Ile). This variant is not present in population databases (gnomAD no frequency). This variant has not been reported in the literature in individuals affected with PEX1-related conditions. ClinVar contains an entry for this variant (Variation ID: 1379575). Advanced modeling of protein sequence and biophysical properties (such as structural, functional, and spatial information, amino acid conservation, physicochemical variation, residue mobility, and thermodynamic stability) performed at Invitae indicates that this missense variant is not expected to disrupt PEX1 protein function. In summary, the available evidence is currently insufficient to determine the role of this variant in disease. Therefore, it has been classified as a Variant of Uncertain Significance.